The following is an entry in ClinVar:

NM_001113378.2(FANCI):c.2693_2696del (p.Lys898fs)

Gene: FANCI (FA complementation group I; plus strand). Cytogenetic location: 15q26.1.
Variant type: Microsatellite.
Coding change: c.2693_2696del on transcript NM_001113378.2 (MANE Select); coding-DNA positions 2693 to 2696, 4 bases deleted (AAGA; older notation c.2693_2696delAAGA).
Protein change: p.Lys898fs; shifts the reading frame from lysine 898.
Molecular consequence: frameshift variant.
Genome position (GRCh38, 1-based): chr15:89,299,856-89,299,859, AAGA deleted; deleting any 4 consecutive bases within chr15:89,299,850-89,299,859 gives the same sequence; the c. name uses the placement nearest the transcript's 3' end. VCF-style (leftmost placement, unchanged base first): chr15-89299849-GGAAA-G. GRCh37 (hg19) VCF-style: chr15-89843080-GGAAA-G.
Other names: c.2414_2417del, p.Lys805fs (NM_001376910.1); c.2693_2696del, p.Lys898fs (NM_001376911.1); c.2513_2516del, p.Lys838fs (NM_018193.3); short protein forms K838fs, K805fs, K898fs.
Identifiers: ClinVar variation 3719976 (VCV003719976.2).

ClinVar aggregate classification (germline): Pathogenic (1 of 4 stars; one submission).

Conditions:
Fanconi anemia (FA). Also called: Fanconi's anemia. Identifiers: Orphanet 84, MedGen C0015625, MeSH D005199, MONDO:0019391.

Submission:

Labcorp Genetics (formerly Invitae), Labcorp
Classification: Pathogenic for Fanconi anemia. Last evaluated: 2024-02-26. Review status: criteria provided, single submitter. Criteria: Invitae Variant Classification Sherloc (09022015). Collection method: clinical testing. Allele origin: germline.
Comment: This sequence change creates a premature translational stop signal (p.Lys898Argfs*69) in the FANCI gene. It is expected to result in an absent or disrupted protein product. Loss-of-function variants in FANCI are known to be pathogenic (PMID: 17452773, 17460694). This variant is not present in population databases (gnomAD no frequency). This variant has not been reported in the literature in individuals affected with FANCI-related conditions. For these reasons, this variant has been classified as Pathogenic.

Literature cited by the submitters: PubMed 17452773; PubMed 17460694.